The following is an entry in ClinVar:

NM_181523.3(PIK3R1):c.1808C>T (p.Thr603Ile)

Gene: PIK3R1 (phosphoinositide-3-kinase regulatory subunit 1; plus strand). Cytogenetic location: 5q13.1.
Variant type: single nucleotide variant.
Coding change: c.1808C>T on transcript NM_181523.3 (MANE Select); coding-DNA position 1808, C replaced by T.
Protein change: p.Thr603Ile; replaces threonine 603 with isoleucine.
Molecular consequence: missense variant.
Genome position (GRCh38, 1-based): chr5:68,295,482, C>T. VCF-style: chr5-68295482-C-T. GRCh37 (hg19) VCF-style: chr5-67591310-C-T.
Other names: c.719C>T, p.Thr240Ile (NM_001242466.2); c.998C>T, p.Thr333Ile (NM_181504.4); c.908C>T, p.Thr303Ile (NM_181524.2); short protein forms T333I, T240I, T603I, T303I.
Identifiers: ClinVar variation 4792788 (VCV004792788.1).
Genomic context (GRCh38, chr5:68,295,482, plus strand): 5'-GGTTGACTCAAAAAGGTGTTCGGCAAAAGAAGTTGAACGAGTGGTTGGGCAATGAAAACA[C>T]TGAAGAGTAAGTAGTTACTAAAGATGGTGATAGCAGAAGATTTTTCTCATTTTAGGAAAA-3'
Protein context (NP_852664.1, residues 593-613): KLNEWLGNEN[Thr603Ile]EDQYSLVEDD

ClinVar aggregate classification (germline): Uncertain significance (1 of 4 stars; one submission).

Conditions:
Agammaglobulinemia 7, autosomal recessive (AGM7). Also called: AGAMMAGLOBULINEMIA, AUTOSOMAL RECESSIVE, DUE TO PIK3R1 DEFECT. Identifiers: MedGen C3554689, MONDO:0014083, OMIM 615214.
SHORT syndrome. Also called: SHORT STATURE, HYPEREXTENSIBILITY, HERNIA, OCULAR DEPRESSION, RIEGER ANOMALY, AND TEETHING DELAY; LIPODYSTROPHY, PARTIAL, WITH RIEGER ANOMALY AND SHORT STATURE; PIK3R1-Related SHORT Syndrome. Identifiers: Orphanet 3163, MedGen C0878684, MONDO:0010026, OMIM 269880.
Immunodeficiency 36 with lymphoproliferation. Also called: Immunodeficiency 36; Activated PI3K Delta Syndrome Type 2 (APDS2); ACTIVATED PI3K-DELTA SYNDROME 2. Identifiers: Orphanet 397596, Orphanet 693681, MedGen C4014934, MONDO:0014453, OMIM 616005.

gnomAD v4.1: 2 of 1,613,610 alleles (0.00012%); highest among the groups gnomAD compares: Non-Finnish European, 0.00017%; no homozygotes.

Submission:

Labcorp Genetics (formerly Invitae), Labcorp
Classification: Uncertain significance for SHORT syndrome; Immunodeficiency 36 with lymphoproliferation; Agammaglobulinemia 7, autosomal recessive. Last evaluated: 2025-08-13. Review status: criteria provided, single submitter. Criteria: Invitae Variant Classification Sherloc (09022015). Collection method: clinical testing. Allele origin: germline.
Comment: This sequence change replaces threonine, which is neutral and polar, with isoleucine, which is neutral and non-polar, at codon 603 of the PIK3R1 protein (p.Thr603Ile). This variant is present in population databases (rs759980362, gnomAD 0.0009%). This variant has not been reported in the literature in individuals affected with PIK3R1-related conditions. Invitae Evidence Modeling of protein sequence and biophysical properties (such as structural, functional, and spatial information, amino acid conservation, physicochemical variation, residue mobility, and thermodynamic stability) indicates that this missense variant is not expected to disrupt PIK3R1 protein function with a negative predictive value of 80%. In summary, the available evidence is currently insufficient to determine the role of this variant in disease. Therefore, it has been classified as a Variant of Uncertain Significance.